The following is an entry in ClinVar:

ClinVar aggregate classification (germline): Pathogenic (1 of 4 stars; one submission).

Conditions:
Severe myoclonic epilepsy in infancy (DRVT). Also called: Epileptic encephalopathy, early infantile, 6 (Dravet syndrome); SEVERE MYOCLONIC EPILEPSY OF INFANCY; DEVELOPMENTAL AND EPILEPTIC ENCEPHALOPATHY 6A; Severe Myoclonic Epilepsy in Infancy (SMEI); Dravet syndrome. Identifiers: Orphanet 33069, MedGen C0751122, MONDO:0100135, OMIM 607208.

Submission:

Center for Bioinformatics, Peking University
Classification: Pathogenic for Dravet syndrome. Last evaluated: 2014-12-20. Review status: criteria provided, single submitter. Criteria: Xu et al. (Hum Mutat. 2015). Collection method: research. Allele origin: de novo. Affected: yes. Observed: 1 variant allele. Study: University Clinical Cooperation “985 Project” PKU-2014-1-1.
Comment: Dravet syndrome (DS) probands were recruited from the outpatient and inpatient child neurology units of Peking University First Hospital from 2005 till present. The study was approved by the Ethics Committee of Peking University First Hospital and the Institutional Review Board at Peking University. Participants or their parents provided written informed consent before enrollment. We collected a total of 267 mutations from 255 families with probands diagnosed with DS in China. All probands fulfilled the clinical diagnostic criteria.

NM_001165963.4(SCN1A):c.3062_3066del (p.Lys1021fs)

Gene: SCN1A (sodium voltage-gated channel alpha subunit 1; minus strand). Cytogenetic location: 2q24.3.
Variant type: Deletion.
Coding change: c.3062_3066del on transcript NM_001165963.4 (MANE Select); coding-DNA positions 3062 to 3066, 5 bases deleted (AAGGA; older notation c.3062_3066delAAGGA).
Protein change: p.Lys1021fs; shifts the reading frame from lysine 1021.
Molecular consequence: frameshift variant. On other transcripts: non-coding transcript variant (1).
Genome position (GRCh38, 1-based): chr2:166,036,411-166,036,415, TCCTT deleted on the plus strand (AAGGA on the coding strand, the reverse complement: SCN1A is on the minus strand); deleting any 5 consecutive bases within chr2:166,036,411-166,036,416 gives the same sequence; the c. name uses the placement nearest the transcript's 3' end. VCF-style (leftmost placement, unchanged base first): chr2-166036410-CTCCTT-C. GRCh37 (hg19) VCF-style: chr2-166892920-CTCCTT-C.
Other names: c.2978_2982del, p.Lys993fs (NM_001165964.3, NM_001353957.2, NM_001353958.2); c.3062_3066del, p.Lys1021fs (NM_001202435.3, NM_001353948.2); c.3029_3033del, p.Lys1010fs (NM_001353949.2, NM_001353950.2, NM_001353951.2 and 2 more transcripts); c.3026_3030del, p.Lys1009fs (NM_001353954.2, NM_001353955.2); c.2975_2979del, p.Lys992fs (NM_001353960.2); c.620_624del, p.Lys207fs (NM_001353961.2); short protein forms K993fs, K1009fs, K1010fs, K1021fs, K207fs, K992fs.
Identifiers: ClinVar variation 189916 (VCV000189916.1), dbSNP rs794726756, ClinGen allele CA303299.